The following is an entry in ClinVar:

ClinVar aggregate classification (germline): Likely pathogenic (1 of 4 stars; one submission).

Submission:

GeneDx
Classification: Likely pathogenic. Last evaluated: 2014-01-16. Review status: criteria provided, single submitter. Criteria: GeneDx Variant Classification (06012015). Collection method: clinical testing. Allele origin: germline. Affected: yes.
Comment: p.Asp4875His (GAC>CAC): c.14623 G>C in exon 102 of the RYR2 gene (NM_001035.2). The D4875H variant in the RYR2 gene has not been reported as a disease-causing mutation or as a benign polymorphism to our knowledge. The D4875H variant is a non-conservative amino acid substitution as these residues differ in polarity, charge, size and/or other properties and is more likely to impact secondary structure. The D4875 residue is highly conserved across species, and D4875H is located in the mutation hotspot channel region of the RYR2 gene (Medeiros-Domingo A et al., 2009). Mutations in nearby residues (L4865V, I4867M, V4880A) have been reported in association with arrhythmia, further supporting the functional importance of this region of the protein. In silico analysis predicts D4875H is damaging to the protein structure/function. Furthermore, the D4875H variant was not observed in approximately 6000 individuals of European and African American ancestry in the NHLBI Exome Sequencing Project, indicating it is not a common benign variant in these populations. In summary, while D4875H is a good candidate for a disease-causing mutation, we cannot unequivocally determine the clinical significance of this variant. The variant is found in ARRHYTHMIA panel(s).

NM_001035.3(RYR2):c.14623G>C (p.Asp4875His)

Gene: RYR2 (ryanodine receptor 2; plus strand). Cytogenetic location: 1q43.
Variant type: single nucleotide variant.
Coding change: c.14623G>C on transcript NM_001035.3 (MANE Select); coding-DNA position 14623, G replaced by C.
Protein change: p.Asp4875His; replaces aspartic acid 4875 with histidine.
Molecular consequence: missense variant.
Genome position (GRCh38, 1-based): chr1:237,828,413, G>C. VCF-style: chr1-237828413-G-C. GRCh37 (hg19) VCF-style: chr1-237991713-G-C.
Other names: p.D4875H:GAC>CAC; c.14623G>C, p.Asp4875His (LRG_402t1); short protein forms D4875H.
Identifiers: ClinVar variation 201359 (VCV000201359.2), dbSNP rs794728806, ClinGen allele CA008317.
Genomic context (GRCh38, chr1:237,828,413, plus strand): 5'-ATTAAATTGTGTTTTTATTTAACACCAGGTCTAATTATTGATGCTTTTGGAGAACTAAGA[G>C]ACCAACAGGAACAAGTCAAAGAAGACATGGAGGTAAGCTTCTCCATTCATGACTCAGCTT-3'
Protein context (NP_001026.2, residues 4865-4885): LIIDAFGELR[Asp4875His]QQEQVKEDME